The following is an entry in ClinVar:

NM_017777.4(MKS1):c.390C>T (p.Asp130=)

Gene: MKS1 (MKS transition zone complex subunit 1; minus strand). Cytogenetic location: 17q22.
Variant type: single nucleotide variant.
Coding change: c.390C>T on transcript NM_017777.4 (MANE Select); coding-DNA position 390, C replaced by T.
Protein change: p.Asp130=; no amino-acid change (aspartic acid 130 retained).
Molecular consequence: synonymous variant. On other transcripts: 5 prime UTR variant (1).
Genome position (GRCh38, 1-based): chr17:58,216,115, G>A on the plus strand (C>T on the coding strand, the complement: MKS1 is on the minus strand). VCF-style: chr17-58216115-G-A. GRCh37 (hg19) VCF-style: chr17-56293476-G-A.
Other names: c.-122C>T (NM_001321268.2); c.390C>T, p.Asp130= (NM_001321269.2, NM_001330397.2, NM_001411113.1).
Identifiers: ClinVar variation 2936071 (VCV002936071.4), dbSNP rs2143819075, ClinGen allele CA501036542.

ClinVar aggregate classification (germline): Likely benign. Review status: criteria provided, single submitter (1 of 4 stars). 2 submissions from 2 submitters: Likely benign (1). 1 of the submissions does not count toward it. Last evaluated 2023-10-23.

Conditions:
MKS1-related disorder. Also called: MKS1-related condition; MKS1-related disorders. Identifiers: MedGen CN239382.
Meckel-Gruber syndrome. Also called: DYSENCEPHALIA SPLANCHNOCYSTICA; GRUBER SYNDROME; Dysencephalia splachnocystica. Identifiers: Orphanet 564, MedGen C0265215, MONDO:0018921.
Joubert syndrome. Also called: JOUBERT-BOLTSHAUSER SYNDROME; Familial aplasia of the vermis. Identifiers: Orphanet 475, MedGen C5979921, MONDO:0018772.

Submissions (2):

Labcorp Genetics (formerly Invitae), Labcorp
Classification: Likely benign for Joubert syndrome; Meckel-Gruber syndrome. Last evaluated: 2023-10-23. Review status: criteria provided, single submitter. Criteria: Invitae Variant Classification Sherloc (09022015). Collection method: clinical testing. Allele origin: germline.

PreventionGenetics, part of Exact Sciences
Classification: Likely benign for MKS1-related condition. Last evaluated: 2023-03-10. Review status: no assertion criteria provided. Collection method: clinical testing. Allele origin: germline. Not counted in ClinVar's aggregate classification.
Comment: This variant is classified as likely benign based on ACMG/AMP sequence variant interpretation guidelines (Richards et al. 2015 PMID: 25741868, with internal and published modifications).